The following is an entry in ClinVar:

ClinVar aggregate classification (germline): Uncertain significance. Review status: reviewed by expert panel (3 of 4 stars). 7 submissions from 7 submitters: Uncertain significance (1). 6 of the submissions do not count toward it. Last evaluated 2024-12-03.

Conditions:
Cardiovascular phenotype. Identifiers: MedGen CN230736.
Noonan syndrome 9 (NS9). Identifiers: Orphanet 648, MedGen C4225282, MONDO:0014691, OMIM 616559.
RASopathy. Also called: Noonan spectrum disorder; rasopathies. Identifiers: Orphanet 536391, MedGen C5555857, MONDO:0021060.

Allele frequency attached by ClinVar (database versions not stated): gnomAD exomes 0.00004.
gnomAD v4.1: 57 of 1,612,426 alleles (0.0035%); highest among the groups gnomAD compares: Non-Finnish European, 0.0047%; no homozygotes.

Submissions (7):

ClinGen RASopathy Variant Curation Expert Panel
Classification: Uncertain significance for RASopathy. Last evaluated: 2024-12-03. Review status: reviewed by expert panel. Criteria: ClinGen RASopathy ACMG Specifications SOS2 V2.3.0. Collection method: curation. Allele origin: germline. Inheritance: Autosomal dominant inheritance.
Comment: The c.3584C>T (NM_006939.4(SOS2):c.3584C>T (p.Ala1195Val)) variant in SOS2 is a missense variant predicted to cause substitution of alanine by valine at amino acid 1195. The filtering allele frequency in gnomAD v2.1.1 is 0.003446 % (no population codes met). The computational predictor REVEL gives a score of 0.183 which is below the threshold of 0.3, evidence that does not predict a damaging effect on SOS2 function (BP4). In summary, this variant meets the criteria to be classified as uncertain significance for autosomal dominant RASopathy, based on the ACMG/AMP criteria applied, as specified by the ClinGen RASopathy VCEP: BP4 (Version 2.3; 12/3/2024).

Labcorp Genetics (formerly Invitae), Labcorp
Classification: Likely benign for Noonan syndrome 9. Last evaluated: 2025-11-08. Review status: criteria provided, single submitter. Criteria: Invitae Variant Classification Sherloc (09022015). Collection method: clinical testing. Allele origin: germline. Not counted in ClinVar's aggregate classification.

Women's Health and Genetics/Laboratory Corporation of America, LabCorp
Classification: Uncertain significance. Last evaluated: 2025-10-16. Review status: criteria provided, single submitter. Criteria: LabCorp Variant Classification Summary - May 2015. Collection method: clinical testing. Allele origin: germline. Not counted in ClinVar's aggregate classification.
Comment: Variant summary: SOS2 c.3584C>T (p.Ala1195Val) results in a non-conservative amino acid change in the encoded protein sequence. Algorithms developed to predict the effect of missense changes on protein structure and function are either unavailable or do not agree on the potential impact of this missense change. The variant allele was found at a frequency of 3.6e-05 in 249676 control chromosomes. The available data on variant occurrences in the general population are insufficient to allow any conclusion about variant significance. To our knowledge, no occurrence of c.3584C>T in individuals affected with SOS2-related conditions and no experimental evidence demonstrating its impact on protein function have been reported. ClinVar contains an entry for this variant (Variation ID: 421233). Based on the evidence outlined above, the variant was classified as uncertain significance.

Blueprint Genetics
Classification: Likely benign. Last evaluated: 2024-11-26. Review status: criteria provided, single submitter. Criteria: ACMG Guidelines, 2015. Collection method: clinical testing. Allele origin: germline. Not counted in ClinVar's aggregate classification.

Ambry Genetics
Classification: Uncertain significance for Cardiovascular phenotype. Last evaluated: 2024-10-08. Review status: criteria provided, single submitter. Criteria: Ambry Variant Classification Scheme 2023. Collection method: clinical testing. Allele origin: germline. Not counted in ClinVar's aggregate classification.
Comment: The p.A1195V variant (also known as c.3584C>T), located in coding exon 23 of the SOS2 gene, results from a C to T substitution at nucleotide position 3584. The alanine at codon 1195 is replaced by valine, an amino acid with similar properties. This amino acid position is conserved. In addition, this alteration is predicted to be tolerated by in silico analysis. Since supporting evidence is limited at this time, the clinical significance of this alteration remains unclear.

CeGaT Center for Human Genetics Tuebingen
Classification: Likely benign. Last evaluated: 2023-08-01. Review status: criteria provided, single submitter. Criteria: CeGaT Center For Human Genetics Tuebingen Variant Classification Criteria Version 2. Collection method: clinical testing. Allele origin: germline. Affected: yes. Observed: 1 variant allele. Not counted in ClinVar's aggregate classification.
Comment: SOS2: BP4

GeneDx
Classification: Likely benign. Last evaluated: 2019-04-26. Review status: criteria provided, single submitter. Criteria: GeneDx Variant Classification Process June 2021. Collection method: clinical testing. Allele origin: germline. Affected: yes. Not counted in ClinVar's aggregate classification.

NM_006939.4(SOS2):c.3584C>T (p.Ala1195Val)

Gene: SOS2 (SOS Ras/Rho guanine nucleotide exchange factor 2; minus strand). Cytogenetic location: 14q21.3.
Variant type: single nucleotide variant.
Coding change: c.3584C>T on transcript NM_006939.4 (MANE Select); coding-DNA position 3584, C replaced by T.
Protein change: p.Ala1195Val; replaces alanine 1195 with valine.
Molecular consequence: missense variant.
Genome position (GRCh38, 1-based): chr14:50,118,759, G>A on the plus strand (C>T on the coding strand, the complement: SOS2 is on the minus strand). VCF-style: chr14-50118759-G-A. GRCh37 (hg19) VCF-style: chr14-50585477-G-A.
Other names: NM_006939.4(SOS2):c.3584C>T; p.Ala1195Val; short protein forms A1195V.
Identifiers: ClinVar variation 421233 (VCV000421233.43), dbSNP rs753151750, ClinGen allele CA7176746.